The following is an entry in ClinVar:

NM_198282.4(STING1):c.205del (p.Glu69fs)

Gene: STING1 (stimulator of interferon response cGAMP interactor 1; minus strand). Cytogenetic location: 5q31.2.
Variant type: Deletion.
Coding change: c.205del on transcript NM_198282.4 (MANE Select); coding-DNA position 205, one base deleted (G; older notation c.205delG).
Protein change: p.Glu69fs; shifts the reading frame from glutamic acid 69.
Molecular consequence: frameshift variant. On other transcripts: intron variant (1).
Genome position (GRCh38, 1-based): chr5:139,481,500, C deleted on the plus strand (G on the coding strand, the reverse complement: STING1 is on the minus strand); the first of 2 consecutive C bases (chr5:139,481,500-139,481,501); deleting either gives the same sequence. VCF-style (leftmost placement, unchanged base first): chr5-139481499-TC-T. GRCh37 (hg19) VCF-style: chr5-138861084-TC-T.
Other names: c.205del, p.Glu69fs (NM_001301738.2); c.-130-158del (NM_001367258.1); short protein forms E69fs.
Identifiers: ClinVar variation 4723125 (VCV004723125.1).

ClinVar aggregate classification (germline): Uncertain significance (1 of 4 stars; one submission).

Conditions:
STING-associated vasculopathy with onset in infancy. Also called: Sting-associated vasculopathy, infantile-onset. Identifiers: Orphanet 425120, MedGen C4014722, MONDO:0014405, OMIM 615934.

Submission:

Labcorp Genetics (formerly Invitae), Labcorp
Classification: Uncertain significance for STING-associated vasculopathy with onset in infancy. Last evaluated: 2025-07-20. Review status: criteria provided, single submitter. Criteria: Invitae Variant Classification Sherloc (09022015). Collection method: clinical testing. Allele origin: germline.
Comment: This sequence change creates a premature translational stop signal (p.Glu69Serfs*62) in the TMEM173 gene. It is expected to result in an absent or disrupted protein product. However, the current clinical and genetic evidence is not sufficient to establish whether loss-of-function variants in TMEM173 cause disease. This variant is not present in population databases (gnomAD no frequency). This variant has not been reported in the literature in individuals affected with TMEM173-related conditions. In summary, the available evidence is currently insufficient to determine the role of this variant in disease. Therefore, it has been classified as a Variant of Uncertain Significance.